The following is an entry in ClinVar:

NM_003151.4(STAT4):c.732C>G (p.Ile244Met)

Gene: STAT4 (signal transducer and activator of transcription 4; minus strand). Cytogenetic location: 2q32.2.
Variant type: single nucleotide variant.
Coding change: c.732C>G on transcript NM_003151.4 (MANE Select); coding-DNA position 732, C replaced by G.
Protein change: p.Ile244Met; replaces isoleucine 244 with methionine.
Molecular consequence: missense variant.
Genome position (GRCh38, 1-based): chr2:191,064,857, G>C on the plus strand (C>G on the coding strand, the complement: STAT4 is on the minus strand). VCF-style: chr2-191064857-G-C. GRCh37 (hg19) VCF-style: chr2-191929583-G-C.
Other names: c.732C>G, p.Ile244Met (NM_001243835.2); short protein forms I244M.
Identifiers: ClinVar variation 3717809 (VCV003717809.2).

ClinVar aggregate classification (germline): Uncertain significance (1 of 4 stars; one submission).

gnomAD v4.1: 2 of 1,613,470 alleles (0.00012%); highest among the groups gnomAD compares: Non-Finnish European, 0.000085%; no homozygotes.

Submission:

Labcorp Genetics (formerly Invitae), Labcorp
Classification: Uncertain significance. Last evaluated: 2025-12-22. Review status: criteria provided, single submitter. Criteria: Invitae Variant Classification Sherloc (09022015). Collection method: clinical testing. Allele origin: germline.
Comment: This sequence change replaces isoleucine, which is neutral and non-polar, with methionine, which is neutral and non-polar, at codon 244 of the STAT4 protein (p.Ile244Met). This variant is not present in population databases (gnomAD no frequency). This variant has not been reported in the literature in individuals affected with STAT4-related conditions. ClinVar contains an entry for this variant (Variation ID: 3717809). Invitae Evidence Modeling of protein sequence and biophysical properties (such as structural, functional, and spatial information, amino acid conservation, physicochemical variation, residue mobility, and thermodynamic stability) indicates that this missense variant is not expected to disrupt STAT4 protein function with a negative predictive value of 80%. In summary, the available evidence is currently insufficient to determine the role of this variant in disease. Therefore, it has been classified as a Variant of Uncertain Significance.